The following is an entry in ClinVar:

ClinVar aggregate classification (germline): Conflicting classifications of pathogenicity. Review status: criteria provided, conflicting classifications (1 of 4 stars). 2 submissions from 2 submitters: Pathogenic (1); Uncertain significance (1). Last evaluated 2021-03-10.

Conditions:
Benign neonatal seizures. Also called: Benign familial neonatal seizures; Benign neonatal familial convulsions; Convulsions benign familial neonatal dominant form; Autosomal dominant form of benign neonatal seizures; Benign familial neonatal epilepsy. Identifiers: Orphanet 1949, MedGen C0220669, MONDO:0016027.

Submissions (2):

Labcorp Genetics (formerly Invitae), Labcorp
Classification: Pathogenic for Benign neonatal seizures. Last evaluated: 2021-03-10. Review status: criteria provided, single submitter. Criteria: Invitae Variant Classification Sherloc (09022015). Collection method: clinical testing. Allele origin: germline.
Comment: This variant has not been reported in the literature in individuals with KCNQ3-related conditions. The frequency data for this variant in the population databases is considered unreliable, as metrics indicate poor data quality at this position in the ExAC database. This sequence change creates a premature translational stop signal (p.Lys533Asnfs*6) in the KCNQ3 gene. It is expected to result in an absent or disrupted protein product. Loss-of-function variants in KCNQ3 are known to be pathogenic (PMID: 29383681, 29852413). For these reasons, this variant has been classified as Pathogenic.

Blueprint Genetics
Classification: Uncertain significance. Last evaluated: 2018-11-13. Review status: criteria provided, single submitter. Criteria: ACMG Guidelines, 2015. Collection method: clinical testing. Allele origin: germline.

Literature cited by the submitters: PubMed 29383681 (cited by Labcorp Genetics (formerly Invitae), Labcorp); PubMed 29852413 (cited by Labcorp Genetics (formerly Invitae), Labcorp).

NM_004519.4(KCNQ3):c.1599del (p.Lys533fs)

Gene: KCNQ3 (potassium voltage-gated channel subfamily Q member 3; minus strand). Cytogenetic location: 8q24.22.
Variant type: Deletion.
Coding change: c.1599del on transcript NM_004519.4 (MANE Select); coding-DNA position 1599, one base deleted (A; older notation c.1599delA).
Protein change: p.Lys533fs; shifts the reading frame from lysine 533.
Molecular consequence: frameshift variant.
Genome position (GRCh38, 1-based): chr8:132,137,986, T deleted on the plus strand (A on the coding strand, the reverse complement: KCNQ3 is on the minus strand); the first of 9 consecutive T bases (chr8:132,137,986-132,137,994); deleting any one gives the same sequence. VCF-style (leftmost placement, unchanged base first): chr8-132137985-AT-A. GRCh37 (hg19) VCF-style: chr8-133150232-AT-A.
Other names: c.1239del, p.Lys413fs (NM_001204824.2); short protein forms K413fs, K533fs.
Identifiers: ClinVar variation 1453259 (VCV001453259.7), dbSNP rs762289015, ClinGen allele CA4880646.